The following is an entry in ClinVar:

ClinVar aggregate classification (germline): Uncertain significance (1 of 4 stars; one submission).

Conditions:
Inborn genetic diseases. Identifiers: MedGen C0950123, MeSH D030342.

Submission:

Ambry Genetics
Classification: Uncertain significance for Inborn genetic diseases. Last evaluated: 2025-02-26. Review status: criteria provided, single submitter. Criteria: Ambry Variant Classification Scheme 2023. Collection method: clinical testing. Allele origin: germline.
Comment: The p.V578L variant (also known as c.1732G>C), located in coding exon 1 of the SAMD9 gene, results from a G to C substitution at nucleotide position 1732. The valine at codon 578 is replaced by leucine, an amino acid with highly similar properties. This amino acid position is conserved. In addition, this alteration is predicted to be tolerated by in silico analysis. Based on the available evidence, the clinical significance of this variant remains unclear.

NM_017654.4(SAMD9):c.1732G>C (p.Val578Leu)

Gene: SAMD9 (sterile alpha motif domain containing 9; minus strand). Cytogenetic location: 7q21.2.
Variant type: single nucleotide variant.
Coding change: c.1732G>C on transcript NM_017654.4 (MANE Select); coding-DNA position 1732, G replaced by C.
Protein change: p.Val578Leu; replaces valine 578 with leucine.
Molecular consequence: missense variant.
Genome position (GRCh38, 1-based): chr7:93,104,366, C>G on the plus strand (G>C on the coding strand, the complement: SAMD9 is on the minus strand). VCF-style: chr7-93104366-C-G. GRCh37 (hg19) VCF-style: chr7-92733679-C-G.
Other names: c.1732G>C, p.Val578Leu (NM_001193307.2); short protein forms V578L.
Identifiers: ClinVar variation 3792127 (VCV003792127.1).